The following is an entry in ClinVar:

ClinVar aggregate classification (germline): Uncertain significance (1 of 4 stars; one submission).

Allele frequency attached by ClinVar (database versions not stated): gnomAD exomes 0.00003; ExAC 0.00004; TOPMed 0.00007; ESP Exome Variant Server 0.00008; gnomAD 0.00011.
gnomAD v4.1: 60 of 1,612,244 alleles (0.0037%); highest among the groups gnomAD compares: African/African-American, 0.031%; no homozygotes.

Submission:

Labcorp Genetics (formerly Invitae), Labcorp
Classification: Uncertain significance. Last evaluated: 2023-10-17. Review status: criteria provided, single submitter. Criteria: Invitae Variant Classification Sherloc (09022015). Collection method: clinical testing. Allele origin: germline.
Comment: This sequence change replaces threonine, which is neutral and polar, with methionine, which is neutral and non-polar, at codon 1222 of the SORL1 protein (p.Thr1222Met). This variant is present in population databases (rs377348849, gnomAD 0.02%). This variant has not been reported in the literature in individuals affected with SORL1-related conditions. Algorithms developed to predict the effect of missense changes on protein structure and function output the following: SIFT: "Not Available"; PolyPhen-2: "Benign"; Align-GVGD: "Not Available". The methionine amino acid residue is found in multiple mammalian species, which suggests that this missense change does not adversely affect protein function. In summary, the available evidence is currently insufficient to determine the role of this variant in disease. Therefore, it has been classified as a Variant of Uncertain Significance.

NM_003105.6(SORL1):c.3665C>T (p.Thr1222Met)

Gene: SORL1 (sortilin related receptor 1; plus strand). Cytogenetic location: 11q24.1.
Variant type: single nucleotide variant.
Coding change: c.3665C>T on transcript NM_003105.6 (MANE Select); coding-DNA position 3665, C replaced by T.
Protein change: p.Thr1222Met; replaces threonine 1222 with methionine.
Molecular consequence: missense variant.
Genome position (GRCh38, 1-based): chr11:121,583,542, C>T. VCF-style: chr11-121583542-C-T. GRCh37 (hg19) VCF-style: chr11-121454251-C-T.
Other names: short protein forms T1222M.
Identifiers: ClinVar variation 2857663 (VCV002857663.3), dbSNP rs377348849, ClinGen allele CA6329346.